The following is an entry in ClinVar:

ClinVar aggregate classification (germline): Uncertain significance (1 of 4 stars; one submission).

Allele frequency attached by ClinVar (database versions not stated): ESP Exome Variant Server 0.00009.

Submission:

Labcorp Genetics (formerly Invitae), Labcorp
Classification: Uncertain significance. Last evaluated: 2021-12-09. Review status: criteria provided, single submitter. Criteria: Invitae Variant Classification Sherloc (09022015). Collection method: clinical testing. Allele origin: germline.
Comment: Algorithms developed to predict the effect of missense changes on protein structure and function are either unavailable or do not agree on the potential impact of this missense change (SIFT: "Deleterious"; PolyPhen-2: "Probably Damaging"; Align-GVGD: "Class C0"). In summary, the available evidence is currently insufficient to determine the role of this variant in disease. Therefore, it has been classified as a Variant of Uncertain Significance. This variant has not been reported in the literature in individuals affected with CACNA1F-related conditions. This sequence change replaces arginine, which is basic and polar, with leucine, which is neutral and non-polar, at codon 385 of the CACNA1F protein (p.Arg385Leu). This variant is not present in population databases (gnomAD no frequency).

NM_001256789.3(CACNA1F):c.1154G>T (p.Arg385Leu)

Gene: CACNA1F (calcium voltage-gated channel subunit alpha1 F; minus strand). Cytogenetic location: Xp11.23.
Variant type: single nucleotide variant.
Coding change: c.1154G>T on transcript NM_001256789.3 (MANE Select); coding-DNA position 1154, G replaced by T.
Protein change: p.Arg385Leu; replaces arginine 385 with leucine.
Molecular consequence: missense variant.
Genome position (GRCh38, 1-based): chrX:49,227,092, C>A on the plus strand (G>T on the coding strand, the complement: CACNA1F is on the minus strand). VCF-style: chrX-49227092-C-A. GRCh37 (hg19) VCF-style: chrX-49083554-C-A.
Other names: c.959G>T, p.Arg320Leu (NM_001256790.3); c.1154G>T, p.Arg385Leu (NM_005183.4); short protein forms R320L, R385L.
Identifiers: ClinVar variation 2039035 (VCV002039035.4), dbSNP rs142554974, ClinGen allele CA329123884.
Genomic context (GRCh38, chrX:49,227,092, plus strand): 5'-AGGTAGCCCCGCAGGTCTTCCTCCATCTGCTGCTTCTCCCGCTGCTTCTGGAAGTCCCCG[C>A]GAGCTTTCGCTTTCTCTCTCTCCTTGGAGAACTCCCTGAGGGAGGAGGATAGAGGGCTAG-3'
Protein context (NP_001243718.1, residues 375-395): FSKEREKAKA[Arg385Leu]GDFQKQREKQ